The following is an entry in ClinVar:

NM_176787.5(PIGN):c.1609T>C (p.Leu537=)

Gene: PIGN (phosphatidylinositol glycan anchor biosynthesis class N; minus strand). Cytogenetic location: 18q21.33.
Variant type: single nucleotide variant.
Coding change: c.1609T>C on transcript NM_176787.5 (MANE Select); coding-DNA position 1609, T replaced by C.
Protein change: p.Leu537=; no amino-acid change (leucine 537 retained).
Molecular consequence: synonymous variant.
Genome position (GRCh38, 1-based): chr18:62,107,051, A>G on the plus strand (T>C on the coding strand, the complement: PIGN is on the minus strand). VCF-style: chr18-62107051-A-G. GRCh37 (hg19) VCF-style: chr18-59774284-A-G.
Other names: c.1609T>C, p.Leu537= (NM_012327.6); c.1609T>C (NM_176787.4).
Identifiers: ClinVar variation 2870314 (VCV002870314.5), dbSNP rs761449593, ClinGen allele CA8982235.

ClinVar aggregate classification (germline): Likely benign. Review status: criteria provided, single submitter (1 of 4 stars). 2 submissions from 2 submitters: Likely benign (1). 1 of the submissions does not count toward it. Last evaluated 2025-06-03.

Conditions:
PIGN-related disorder. Also called: PIGN-related condition.
Multiple congenital anomalies-hypotonia-seizures syndrome 1 (MCAHS1). Also called: Congenital disorder of glycosylation due to PIGN deficiency; GLYCOSYLPHOSPHATIDYLINOSITOL BIOSYNTHESIS DEFECT 3; PIGN-CDG. Identifiers: Orphanet 280633, MedGen C3279775, MONDO:0013563, OMIM 614080.

Allele frequency attached by ClinVar (database versions not stated): gnomAD exomes 0.00001; gnomAD 0.00001; ExAC 0.00002; TOPMed 0.00001.
gnomAD v4.1: 11 of 1,588,652 alleles (0.00069%); highest among the groups gnomAD compares: East Asian, 0.014%; no homozygotes.

Submissions (2):

Labcorp Genetics (formerly Invitae), Labcorp
Classification: Likely benign for Multiple congenital anomalies-hypotonia-seizures syndrome 1. Last evaluated: 2025-06-03. Review status: criteria provided, single submitter. Criteria: Invitae Variant Classification Sherloc (09022015). Collection method: clinical testing. Allele origin: germline.

PreventionGenetics, part of Exact Sciences
Classification: Likely benign for PIGN-related condition. Last evaluated: 2019-03-20. Review status: no assertion criteria provided. Collection method: clinical testing. Allele origin: germline. Not counted in ClinVar's aggregate classification.
Comment: This variant is classified as likely benign based on ACMG/AMP sequence variant interpretation guidelines (Richards et al. 2015 PMID: 25741868, with internal and published modifications).